The following is an entry in ClinVar:

ClinVar aggregate classification (germline): Benign/Likely benign. Review status: criteria provided, multiple submitters, no conflicts (2 of 4 stars). 9 submissions from 8 submitters: Benign (3); Likely benign (4). 2 of the submissions do not count toward it. Last evaluated 2026-01-28.

Conditions:
Usher syndrome type 2A. Also called: USHER SYNDROME, TYPE IIA; RETINAL DISEASE IN USHER SYNDROME TYPE IIA, MODIFIER OF. Identifiers: Orphanet 231178, Orphanet 886, MedGen C1848634, MONDO:0010169, OMIM 276901.
Retinitis pigmentosa 39 (RP39). Identifiers: Orphanet 791, MedGen C3151138, MONDO:0013436, OMIM 613809.

Allele frequency attached by ClinVar (database versions not stated): gnomAD 0.00256 and 0.00275; TOPMed 0.00291; 1000 Genomes Project 0.00300; ESP Exome Variant Server 0.00331; 1000 Genomes Project 30x 0.00359; gnomAD exomes 0.00023 and 0.00069; ExAC 0.00091.
gnomAD v4.1: 721 of 1,613,936 alleles (0.045%); highest among the groups gnomAD compares: African/African-American, 0.91%; 4 homozygotes.

Submissions (9):

Labcorp Genetics (formerly Invitae), Labcorp
Classification: Benign. Last evaluated: 2026-01-28. Review status: criteria provided, single submitter. Criteria: Invitae Variant Classification Sherloc (09022015). Collection method: clinical testing. Allele origin: germline.

Blueprint Genetics
Classification: Likely benign. Last evaluated: 2024-09-18. Review status: criteria provided, single submitter. Criteria: ACMG Guidelines, 2015. Collection method: clinical testing. Allele origin: germline.

ARUP Laboratories, Molecular Genetics and Genomics, ARUP Laboratories
Classification: Benign. Last evaluated: 2023-11-06. Review status: criteria provided, single submitter. Criteria: ARUP Molecular Germline Variant Investigation Process 2024. Collection method: clinical testing. Allele origin: germline.

Genome-Nilou Lab
Classification: Likely benign for Retinitis pigmentosa 39. Last evaluated: 2023-11-04. Review status: criteria provided, single submitter. Criteria: ACMG Guidelines, 2015. Collection method: clinical testing. Allele origin: germline. Affected: no.

Genome-Nilou Lab
Classification: Likely benign for Usher syndrome type 2A. Last evaluated: 2023-11-04. Review status: criteria provided, single submitter. Criteria: ACMG Guidelines, 2015. Collection method: clinical testing. Allele origin: germline. Affected: no.

GeneDx
Classification: Likely benign. Last evaluated: 2021-01-12. Review status: criteria provided, single submitter. Criteria: GeneDx Variant Classification Process June 2021. Collection method: clinical testing. Allele origin: germline. Affected: yes.

Laboratory for Molecular Medicine, Mass General Brigham Personalized Medicine
Classification: Benign. Last evaluated: 2012-01-11. Review status: criteria provided, single submitter. Criteria: LMM Criteria. Collection method: clinical testing. Allele origin: germline. Observed: 4 variant alleles.
Comment: This variant is not expected to have clinical significance because it has been i dentified in 23/4552 (0.5%) control chromosomes from a broad, though clinically and racially unspecified population (dbSNP rs147883884) and the variant occurs a t an amino acid position that is poorly conserved with Thr present in most mamma ls.

Clinical Genetics DNA and cytogenetics Diagnostics Lab, Erasmus MC, Erasmus Medical Center
Classification: Benign. Review status: no assertion criteria provided. Collection method: clinical testing. Allele origin: germline. Affected: yes. Study: VKGL Data-share Consensus. Not counted in ClinVar's aggregate classification.

Clinical Genetics, Academic Medical Center
Classification: Benign. Review status: no assertion criteria provided. Collection method: clinical testing. Allele origin: germline. Affected: yes. Study: VKGL Data-share Consensus. Not counted in ClinVar's aggregate classification.

NM_206933.4(USH2A):c.6041A>C (p.Asn2014Thr)

Gene: USH2A (usherin; minus strand). Cytogenetic location: 1q41.
Variant type: single nucleotide variant.
Coding change: c.6041A>C on transcript NM_206933.4 (MANE Select); coding-DNA position 6041, A replaced by C.
Protein change: p.Asn2014Thr; replaces asparagine 2014 with threonine.
Molecular consequence: missense variant.
Genome position (GRCh38, 1-based): chr1:216,070,109, T>G on the plus strand (A>C on the coding strand, the complement: USH2A is on the minus strand). VCF-style: chr1-216070109-T-G. GRCh37 (hg19) VCF-style: chr1-216243451-T-G.
Other names: short protein forms N2014T.
Identifiers: ClinVar variation 48549 (VCV000048549.29), dbSNP rs147883884, ClinGen allele CA143538.